The following is an entry in ClinVar:

ClinVar aggregate classification (germline): Uncertain significance. Review status: criteria provided, multiple submitters, no conflicts (2 of 4 stars). 2 submissions from 2 submitters: Uncertain significance (2). Last evaluated 2023-04-16.

Conditions:
Charcot-Marie-Tooth disease type 2. Also called: Charcot-Marie-Tooth type 2. Identifiers: Orphanet 64746, MedGen C0270914, MONDO:0018993.

Allele frequency attached by ClinVar (database versions not stated): gnomAD 0.00001; 1000 Genomes Project 30x 0.00031; TOPMed below 0.00001; 1000 Genomes Project 0.00020.
gnomAD v4.1: 4 of 1,614,186 alleles (0.00025%); highest among the groups gnomAD compares: African/African-American, 0.0013%; no homozygotes.

Submissions (2):

Ambry Genetics
Classification: Uncertain significance. Last evaluated: 2023-04-16. Review status: criteria provided, single submitter. Criteria: Ambry Variant Classification Scheme 2023. Collection method: clinical testing. Allele origin: germline.
Comment: The p.S389F variant (also known as c.1166C>T), located in coding exon 12 of the KIF1B gene, results from a C to T substitution at nucleotide position 1166. The serine at codon 389 is replaced by phenylalanine, an amino acid with highly dissimilar properties. This amino acid position is conserved. In addition, the in silico prediction for this alteration is inconclusive. Since supporting evidence is limited at this time, the clinical significance of this alteration remains unclear.

Labcorp Genetics (formerly Invitae), Labcorp
Classification: Uncertain significance for Charcot-Marie-Tooth disease type 2. Last evaluated: 2023-04-08. Review status: criteria provided, single submitter. Criteria: Invitae Variant Classification Sherloc (09022015). Collection method: clinical testing. Allele origin: germline.
Comment: In summary, the available evidence is currently insufficient to determine the role of this variant in disease. Therefore, it has been classified as a Variant of Uncertain Significance. Advanced modeling of protein sequence and biophysical properties (such as structural, functional, and spatial information, amino acid conservation, physicochemical variation, residue mobility, and thermodynamic stability) performed at Invitae indicates that this missense variant is not expected to disrupt KIF1B protein function. This variant has not been reported in the literature in individuals affected with KIF1B-related conditions. This variant is not present in population databases (gnomAD no frequency). This sequence change replaces serine, which is neutral and polar, with phenylalanine, which is neutral and non-polar, at codon 389 of the KIF1B protein (p.Ser389Phe).

NM_001365951.3(KIF1B):c.1304C>T (p.Ser435Phe)

Gene: KIF1B (kinesin family member 1B; plus strand). Cytogenetic location: 1p36.22.
Variant type: single nucleotide variant.
Coding change: c.1304C>T on transcript NM_001365951.3 (MANE Select); coding-DNA position 1304, C replaced by T.
Protein change: p.Ser435Phe; replaces serine 435 with phenylalanine.
Molecular consequence: missense variant.
Genome position (GRCh38, 1-based): chr1:10,282,403, C>T. VCF-style: chr1-10282403-C-T. GRCh37 (hg19) VCF-style: chr1-10342461-C-T.
Other names: c.1304C>T, p.Ser435Phe (NM_001365952.1); c.1166C>T, p.Ser389Phe (NM_001365953.1, NM_015074.3, NM_183416.4); short protein forms S389F, S435F.
Identifiers: ClinVar variation 2560518 (VCV002560518.5), dbSNP rs199664929, ClinGen allele CA17841942.
Genomic context (GRCh38, chr1:10,282,403, plus strand): 5'-ATAAGCATAGATACTTGCTAGCCTCTGAGAATCAACGCCCTGGCCATTTTTCCACAGCAT[C>T]CATGGGGTCCCTCACTTCATCCCCATCTTCCTGCTCACTCAGTAGTCAGGTGGGCTTGAC-3'
Protein context (NP_001352880.1, residues 425-445): NQRPGHFSTA[Ser435Phe]MGSLTSSPSS